The following is an entry in ClinVar:

NM_004006.3(DMD):c.831+1G>C

Gene: DMD (dystrophin; minus strand). Cytogenetic location: Xp21.1.
Variant type: single nucleotide variant.
Coding change: c.831+1G>C on transcript NM_004006.3 (MANE Select); the canonical splice donor site of the intron after coding-DNA position 831, G replaced by C.
Molecular consequence: splice donor variant.
Genome position (GRCh38, 1-based): chrX:32,699,111, C>G on the plus strand (G>C on the coding strand, the complement: DMD is on the minus strand). VCF-style: chrX-32699111-C-G. GRCh37 (hg19) VCF-style: chrX-32717228-C-G.
Other names: c.807+1G>C (NM_000109.4); c.819+1G>C (NM_004009.3); c.462+1G>C (NM_004010.3).
Identifiers: ClinVar variation 653791 (VCV000653791.9), dbSNP rs1239018406, ClinGen allele CA412668777.

ClinVar aggregate classification (germline): Pathogenic (1 of 4 stars; one submission).

Conditions:
Duchenne muscular dystrophy (DMD). Also called: MUSCULAR DYSTROPHY, PSEUDOHYPERTROPHIC PROGRESSIVE, DUCHENNE TYPE; Duchenne Muscular Dystrophy (DMD). Identifiers: Orphanet 98896, MedGen C0013264, MONDO:0010679, OMIM 310200.

Submission:

Labcorp Genetics (formerly Invitae), Labcorp
Classification: Pathogenic for Duchenne muscular dystrophy. Last evaluated: 2025-07-27. Review status: criteria provided, single submitter. Criteria: Invitae Variant Classification Sherloc (09022015). Collection method: clinical testing. Allele origin: germline.
Comment: This sequence change affects a donor splice site in intron 8 of the DMD gene. It is expected to disrupt RNA splicing. Variants that disrupt the donor or acceptor splice site typically lead to a loss of protein function (PMID: 16199547), and loss-of-function variants in DMD are known to be pathogenic (PMID: 16770791, 25007885). This variant is not present in population databases (gnomAD no frequency). Disruption of this splice site has been observed in individuals with DMD-related muscular dystrophy (PMID: 28859693). ClinVar contains an entry for this variant (Variation ID: 653791). Algorithms developed to predict the effect of sequence changes on RNA splicing suggest that this variant may disrupt the consensus splice site. For these reasons, this variant has been classified as Pathogenic.

Literature cited by the submitters: PubMed 16199547; PubMed 16770791; PubMed 25007885; PubMed 28859693.